The following is an entry in ClinVar:

ClinVar aggregate classification (germline): Uncertain significance. Review status: criteria provided, multiple submitters, no conflicts (2 of 4 stars). 3 submissions from 3 submitters: Uncertain significance (3). Last evaluated 2025-06-06.

Conditions:
Progressive sclerosing poliodystrophy (MTDPS4A). Also called: NEURONAL DEGENERATION OF CHILDHOOD WITH LIVER DISEASE, PROGRESSIVE; ALPERS PROGRESSIVE INFANTILE POLIODYSTROPHY; Mitochondrial DNA depletion syndrome 4A (Alpers type); Alpers Syndrome; ALPERS DIFFUSE DEGENERATION OF CEREBRAL GRAY MATTER WITH HEPATIC CIRRHOSIS; Alpers-Huttenlocher Syndrome. Identifiers: Orphanet 726, MedGen C0205710, MONDO:0008758, OMIM 203700.

Allele frequency attached by ClinVar (database versions not stated): gnomAD exomes below 0.00001; TOPMed 0.00001.
gnomAD v4.1: 7 of 1,608,906 alleles (0.00044%); highest among the groups gnomAD compares: African/African-American, 0.004%; no homozygotes.

Submissions (3):

Labcorp Genetics (formerly Invitae), Labcorp
Classification: Uncertain significance for Progressive sclerosing poliodystrophy. Last evaluated: 2025-06-06. Review status: criteria provided, single submitter. Criteria: Invitae Variant Classification Sherloc (09022015). Collection method: clinical testing. Allele origin: germline.
Comment: This sequence change replaces lysine, which is basic and polar, with glutamic acid, which is acidic and polar, at codon 109 of the POLG protein (p.Lys109Glu). This variant is present in population databases (rs368137494, gnomAD 0.003%). This variant has not been reported in the literature in individuals affected with POLG-related conditions. ClinVar contains an entry for this variant (Variation ID: 1010888). Invitae Evidence Modeling of protein sequence and biophysical properties (such as structural, functional, and spatial information, amino acid conservation, physicochemical variation, residue mobility, and thermodynamic stability) indicates that this missense variant is not expected to disrupt POLG protein function with a negative predictive value of 95%. In summary, the available evidence is currently insufficient to determine the role of this variant in disease. Therefore, it has been classified as a Variant of Uncertain Significance.

Blueprint Genetics
Classification: Uncertain significance. Last evaluated: 2024-08-27. Review status: criteria provided, single submitter. Criteria: ACMG Guidelines, 2015. Collection method: clinical testing. Allele origin: germline.

GeneDx
Classification: Uncertain significance. Last evaluated: 2024-08-20. Review status: criteria provided, single submitter. Criteria: GeneDx Variant Classification Process June 2021. Collection method: clinical testing. Allele origin: germline. Affected: yes.
Comment: Not observed at significant frequency in large population cohorts (gnomAD); In silico analysis indicates that this missense variant does not alter protein structure/function; Has not been previously published as pathogenic or benign to our knowledge

NM_002693.3(POLG):c.325A>G (p.Lys109Glu)

Genes: POLG (DNA polymerase gamma, catalytic subunit; minus strand), POLGARF (POLG alternative reading frame; minus strand). Cytogenetic location: 15q26.1.
Variant type: single nucleotide variant.
Coding change: c.325A>G on transcript NM_002693.3 (MANE Select); coding-DNA position 325, A replaced by G.
Protein change: p.Lys109Glu; replaces lysine 109 with glutamic acid.
Molecular consequence: missense variant.
Genome position (GRCh38, 1-based): chr15:89,333,430, T>C on the plus strand (A>G on the coding strand, the complement: POLG is on the minus strand). VCF-style: chr15-89333430-T-C. GRCh37 (hg19) VCF-style: chr15-89876661-T-C.
Other names: c.325A>G, p.Lys109Glu (NM_001126131.2); c.325A>G (NM_002693.2); short protein forms K109E.
Identifiers: ClinVar variation 1010888 (VCV001010888.8), dbSNP rs368137494, ClinGen allele CA274566089.
Genomic context (GRCh38, chr15:89,333,430, plus strand): 5'-GCGGCAGGCGCAGCTCCACGTCGGGCAAGGGCACGGCTGGCTGCCCCCAGAGCCCGTGCT[T>C]CTGCAGGTGCTCGACGCTGCGGCGCACCGCGGCCTCGCCAGGCATCTCCCCTCCTTGCCC-3'
Protein context (NP_002684.1, residues 99-119): AVRRSVEHLQ[Lys109Glu]HGLWGQPAVP